The following is an entry in ClinVar:

NM_001170629.2(CHD8):c.2614A>G (p.Thr872Ala)

Gene: CHD8 (chromodomain helicase DNA binding protein 8; minus strand). Cytogenetic location: 14q11.2.
Variant type: single nucleotide variant.
Coding change: c.2614A>G on transcript NM_001170629.2 (MANE Select); coding-DNA position 2614, A replaced by G.
Protein change: p.Thr872Ala; replaces threonine 872 with alanine.
Molecular consequence: missense variant.
Genome position (GRCh38, 1-based): chr14:21,408,428, T>C on the plus strand (A>G on the coding strand, the complement: CHD8 is on the minus strand). VCF-style: chr14-21408428-T-C. GRCh37 (hg19) VCF-style: chr14-21876587-T-C.
Other names: c.1777A>G, p.Thr593Ala (NM_020920.4); short protein forms T593A, T872A.
Identifiers: ClinVar variation 1723602 (VCV001723602.2), dbSNP rs2501923526, ClinGen allele CA388875763.

ClinVar aggregate classification (germline): Uncertain significance (1 of 4 stars; one submission).

Allele frequency attached by ClinVar (database versions not stated): gnomAD exomes below 0.00001.
gnomAD v4.1: 2 of 1,613,992 alleles (0.00012%); highest among the groups gnomAD compares: South Asian, 0.0011%; no homozygotes.

Submission:

GeneDx
Classification: Uncertain significance. Last evaluated: 2022-05-10. Review status: criteria provided, single submitter. Criteria: GeneDx Variant Classification Process June 2021. Collection method: clinical testing. Allele origin: germline. Affected: yes.
Comment: Not observed at significant frequency in large population cohorts (gnomAD); In silico analysis supports that this missense variant does not alter protein structure/function; Has not been previously published as pathogenic or benign to our knowledge